The following is an entry in ClinVar:

ClinVar aggregate classification (germline): Uncertain significance (1 of 4 stars; one submission).

Conditions:
Wolman disease (WOLD). Also called: Wolman disease with hypolipoproteinemia and acanthocytosis; Acid cholesteryl ester hydrolase deficiency, Wolman type; Acid lipase disease; LYSOSOMAL ACID LIPASE DEFICIENCY, ACUTE INFANTILE; LYSOSOMAL ACID LIPASE DEFICIENCY, COMPLETE; LIPA DEFICIENCY, COMPLETE. Identifiers: Orphanet 75233, MedGen C0043208, MONDO:0019148, OMIM 620151.

Allele frequency attached by ClinVar (database versions not stated): gnomAD exomes below 0.00001.

Submission:

Labcorp Genetics (formerly Invitae), Labcorp
Classification: Uncertain significance for Wolman disease. Last evaluated: 2021-08-26. Review status: criteria provided, single submitter. Criteria: Invitae Variant Classification Sherloc (09022015). Collection method: clinical testing. Allele origin: germline.
Comment: This sequence change replaces serine with isoleucine at codon 48 of the LIPA protein (p.Ser48Ile). The serine residue is weakly conserved and there is a large physicochemical difference between serine and isoleucine. This variant is not present in population databases (ExAC no frequency). This variant has not been reported in the literature in individuals affected with LIPA-related conditions. Algorithms developed to predict the effect of missense changes on protein structure and function (SIFT, PolyPhen-2, Align-GVGD) all suggest that this variant is likely to be tolerated. In summary, the available evidence is currently insufficient to determine the role of this variant in disease. Therefore, it has been classified as a Variant of Uncertain Significance.

NM_000235.4(LIPA):c.143G>T (p.Ser48Ile)

Gene: LIPA (lipase A, lysosomal acid type; minus strand). Cytogenetic location: 10q23.31.
Variant type: single nucleotide variant.
Coding change: c.143G>T on transcript NM_000235.4 (MANE Select); coding-DNA position 143, G replaced by T.
Protein change: p.Ser48Ile; replaces serine 48 with isoleucine.
Molecular consequence: missense variant. On other transcripts: intron variant (1).
Genome position (GRCh38, 1-based): chr10:89,245,762, C>A on the plus strand (G>T on the coding strand, the complement: LIPA is on the minus strand). VCF-style: chr10-89245762-C-A. GRCh37 (hg19) VCF-style: chr10-91005519-C-A.
Other names: c.143G>T, p.Ser48Ile (NM_001127605.3); c.-120+5975G>T (NM_001288979.2); short protein forms S48I.
Identifiers: ClinVar variation 1470093 (VCV001470093.5), dbSNP rs1289804335, ClinGen allele CA377518358.